The following is an entry in ClinVar:

ClinVar aggregate classification (germline): Uncertain significance (1 of 4 stars; one submission).

Conditions:
Emery-Dreifuss muscular dystrophy (EDMD). Also called: Scapuloperoneal syndrome, X-linked (formerly); Humeroperoneal neuromuscular disease, (formerly). Identifiers: Orphanet 261, MedGen C0410189, MONDO:0016830.

gnomAD v4.1: 5 of 1,607,806 alleles (0.00031%); highest among the groups gnomAD compares: Non-Finnish European, 0.00042%; no homozygotes.

Submission:

Labcorp Genetics (formerly Invitae), Labcorp
Classification: Uncertain significance for Emery-Dreifuss muscular dystrophy. Last evaluated: 2022-07-25. Review status: criteria provided, single submitter. Criteria: Invitae Variant Classification Sherloc (09022015). Collection method: clinical testing. Allele origin: germline.
Comment: In summary, the available evidence is currently insufficient to determine the role of this variant in disease. Therefore, it has been classified as a Variant of Uncertain Significance. Algorithms developed to predict the effect of missense changes on protein structure and function (SIFT, PolyPhen-2, Align-GVGD) all suggest that this variant is likely to be tolerated. ClinVar contains an entry for this variant (Variation ID: 1014240). This variant has not been reported in the literature in individuals affected with SUN1-related conditions. This variant is present in population databases (no rsID available, gnomAD 0.0009%). This sequence change replaces serine, which is neutral and polar, with alanine, which is neutral and non-polar, at codon 410 of the SUN1 protein (p.Ser410Ala).

NM_001130965.3(SUN1):c.1228T>G (p.Ser410Ala)

Gene: SUN1 (Sad1 and UNC84 domain containing 1; plus strand). Cytogenetic location: 7p22.3.
Variant type: single nucleotide variant.
Coding change: c.1228T>G on transcript NM_001130965.3 (MANE Select); coding-DNA position 1228, T replaced by G.
Protein change: p.Ser410Ala; replaces serine 410 with alanine.
Molecular consequence: missense variant. On other transcripts: non-coding transcript variant (3).
Genome position (GRCh38, 1-based): chr7:853,583, T>G. VCF-style: chr7-853583-T-G. GRCh37 (hg19) VCF-style: chr7-893220-T-G.
Other names: c.1420T>G, p.Ser474Ala (NM_001367643.1); c.1159T>G, p.Ser387Ala (NM_001367644.1); c.1189T>G, p.Ser397Ala (NM_001367645.1, NM_001367689.1, NM_001367667.1); c.1357T>G, p.Ser453Ala (NM_001367646.1); c.1270T>G, p.Ser424Ala (NM_001367647.1, NM_001367668.1); c.1090T>G, p.Ser364Ala (NM_001367648.1); c.1273T>G, p.Ser425Ala (NM_001367649.1); c.1642T>G, p.Ser548Ala (NM_001367651.1); and 38 more; short protein forms S172A, S221A, S257A, S293A, S307A, S327A, S354A, S359A.
Identifiers: ClinVar variation 1014240 (VCV001014240.8), dbSNP rs770565376, ClinGen allele CA152352748.